The following is an entry in ClinVar:

ClinVar aggregate classification (germline): Uncertain significance (1 of 4 stars; one submission).

Conditions:
Hereditary cancer-predisposing syndrome. Also called: Tumor predisposition; Hereditary Cancer Syndrome; Hereditary neoplastic syndrome; Neoplastic Syndromes, Hereditary. Identifiers: Orphanet 140162, MedGen C0027672, MeSH D009386, MONDO:0015356.

Submission:

Ambry Genetics
Classification: Uncertain significance for Hereditary cancer-predisposing syndrome. Last evaluated: 2017-01-12. Review status: criteria provided, single submitter. Criteria: Ambry Variant Classification Scheme 2023. Collection method: clinical testing. Allele origin: germline.
Comment: The c.1109_1110delATinsCG variant (also known as p.H370P), located in coding exon 9 of the SUFU gene, results from an in-frame deletion of AT and insertion of CG at nucleotide positions 1109 to 1110. This results in the substitution of the histidine residue for a proline residue at codon 370, an amino acid with similar properties. This amino acid position is highly conserved in available vertebrate species. Since supporting evidence is limited at this time, the clinical significance of this alteration remains unclear.

NM_016169.4(SUFU):c.1109_1110delinsCG (p.His370Pro)

Gene: SUFU (SUFU negative regulator of hedgehog signaling; plus strand). Cytogenetic location: 10q24.32.
Variant type: Indel.
Coding change: c.1109_1110delinsCG on transcript NM_016169.4 (MANE Select); coding-DNA positions 1109 to 1110, AT replaced by CG.
Protein change: p.His370Pro; replaces histidine 370 with proline.
Molecular consequence: missense variant.
Genome position (GRCh38, 1-based): chr10:102,615,354-102,615,355, AT replaced by CG. VCF-style: chr10-102615354-AT-CG. GRCh37 (hg19) VCF-style: chr10-104375111-AT-CG.
Other names: c.1109_1110delinsCG, p.His370Pro (NM_001178133.2); c.1109_1110delATinsCG (NM_016169.3); short protein forms H370P.
Identifiers: ClinVar variation 486530 (VCV000486530.5), dbSNP rs1554854585, ClinGen allele CA658658015.